The following is an entry in ClinVar:

ClinVar aggregate classification (germline): Uncertain significance (1 of 4 stars; one submission).

Allele frequency attached by ClinVar (database versions not stated): gnomAD exomes 0.00003; ExAC 0.00007; ESP Exome Variant Server 0.00015; gnomAD 0.00029; TOPMed 0.00032.
gnomAD v4.1: 87 of 1,614,086 alleles (0.0054%); highest among the groups gnomAD compares: African/African-American, 0.1%; no homozygotes.

Submission:

Labcorp Genetics (formerly Invitae), Labcorp
Classification: Uncertain significance. Last evaluated: 2022-08-11. Review status: criteria provided, single submitter. Criteria: Invitae Variant Classification Sherloc (09022015). Collection method: clinical testing. Allele origin: germline.
Comment: In summary, the available evidence is currently insufficient to determine the role of this variant in disease. Therefore, it has been classified as a Variant of Uncertain Significance. Algorithms developed to predict the effect of missense changes on protein structure and function output the following: SIFT: "Tolerated"; PolyPhen-2: "Benign"; Align-GVGD: "Class C0". The lysine amino acid residue is found in multiple mammalian species, which suggests that this missense change does not adversely affect protein function. This variant has not been reported in the literature in individuals affected with ALAD-related conditions. This variant is present in population databases (rs149572240, gnomAD 0.1%). This sequence change replaces arginine, which is basic and polar, with lysine, which is basic and polar, at codon 84 of the ALAD protein (p.Arg84Lys).

NM_000031.6(ALAD):c.251G>A (p.Arg84Lys)

Gene: ALAD (aminolevulinate dehydratase; minus strand). Cytogenetic location: 9q32.
Variant type: single nucleotide variant.
Coding change: c.251G>A on transcript NM_000031.6 (MANE Select); coding-DNA position 251, G replaced by A.
Protein change: p.Arg84Lys; replaces arginine 84 with lysine.
Molecular consequence: missense variant.
Genome position (GRCh38, 1-based): chr9:113,391,537, C>T on the plus strand (G>A on the coding strand, the complement: ALAD is on the minus strand). VCF-style: chr9-113391537-C-T. GRCh37 (hg19) VCF-style: chr9-116153817-C-T.
Other names: c.338G>A, p.Arg113Lys (NM_001003945.3); c.227G>A, p.Arg76Lys (NM_001317745.2); short protein forms R113K, R76K, R84K.
Identifiers: ClinVar variation 2201581 (VCV002201581.3), dbSNP rs149572240, ClinGen allele CA5196565.